The following is an entry in ClinVar:

ClinVar aggregate classification (germline): Uncertain significance (1 of 4 stars; one submission).

gnomAD v4.1: 38 of 1,613,012 alleles (0.0024%); highest among the groups gnomAD compares: East Asian, 0.011%; no homozygotes.

Submission:

Labcorp Genetics (formerly Invitae), Labcorp
Classification: Uncertain significance. Last evaluated: 2025-12-03. Review status: criteria provided, single submitter. Criteria: Invitae Variant Classification Sherloc (09022015). Collection method: clinical testing. Allele origin: germline.
Comment: This sequence change replaces arginine, which is basic and polar, with tryptophan, which is neutral and slightly polar, at codon 571 of the EPHA4 protein (p.Arg571Trp). This variant is present in population databases (rs371177966, gnomAD 0.008%). This variant has not been reported in the literature in individuals affected with EPHA4-related conditions. Invitae Evidence Modeling of protein sequence and biophysical properties (such as structural, functional, and spatial information, amino acid conservation, physicochemical variation, residue mobility, and thermodynamic stability) indicates that this missense variant is expected to disrupt EPHA4 protein function with a positive predictive value of 80%. In summary, the available evidence is currently insufficient to determine the role of this variant in disease. Therefore, it has been classified as a Variant of Uncertain Significance.

NM_004438.5(EPHA4):c.1711C>T (p.Arg571Trp)

Gene: EPHA4 (EPH receptor A4; minus strand). Cytogenetic location: 2q36.1.
Variant type: single nucleotide variant.
Coding change: c.1711C>T on transcript NM_004438.5 (MANE Select); coding-DNA position 1711, C replaced by T.
Protein change: p.Arg571Trp; replaces arginine 571 with tryptophan.
Molecular consequence: missense variant.
Genome position (GRCh38, 1-based): chr2:221,455,551, G>A on the plus strand (C>T on the coding strand, the complement: EPHA4 is on the minus strand). VCF-style: chr2-221455551-G-A. GRCh37 (hg19) VCF-style: chr2-222320271-G-A.
Other names: c.1711C>T, p.Arg571Trp (NM_001304536.2, NM_001363748.2); c.1558C>T, p.Arg520Trp (NM_001304537.2); short protein forms R571W, R520W.
Identifiers: ClinVar variation 4709344 (VCV004709344.1).